The following is an entry in ClinVar:

NM_001048174.2(MUTYH):c.10C>A (p.Pro4Thr)

Gene: MUTYH (mutY DNA glycosylase; minus strand). Cytogenetic location: 1p34.1.
Variant type: single nucleotide variant.
Coding change: c.10C>A on transcript NM_001048174.2 (MANE Select); coding-DNA position 10, C replaced by A.
Protein change: p.Pro4Thr; replaces proline 4 with threonine.
Molecular consequence: missense variant. On other transcripts: 5 prime UTR variant (7), non-coding transcript variant (7).
Genome position (GRCh38, 1-based): chr1:45,334,496, G>T on the plus strand (C>A on the coding strand, the complement: MUTYH is on the minus strand). VCF-style: chr1-45334496-G-T. GRCh37 (hg19) VCF-style: chr1-45800168-G-T.
Other names: c.52C>A, p.Pro18Thr (NM_001293190.2, NM_012222.3, NM_001407069.1 and 2 more transcripts); c.10C>A, p.Pro4Thr (NM_001293191.2, NM_001407077.1, NM_001407078.1 and 15 more transcripts); c.-198C>A (NM_001407082.1, NM_001350651.2); c.28C>A, p.Pro10Thr (NM_001407087.1); c.-203C>A (NM_001407091.1, NM_001293192.2, NM_001293196.2); c.-262C>A (NM_001350650.2); c.-147C>A (NM_001407075.1); short protein forms P10T, P18T, P4T.
Identifiers: ClinVar variation 4113716 (VCV004113716.1).
Genomic context (GRCh38, chr1:45,334,496, plus strand): 5'-TCTGCCTCCCTTCCTGGCTGGCTGCCTGCTTCCTGTGACCACTTCCCACGGCTGCTCGTG[G>T]CTTCCTCATGATGGCCTGAAACAAAAAGACCCAGCCAAAGCAGTCAGTCACAATGAGGCC-3'
Protein context (NP_001041639.1, residues 1-14): MRK[Pro4Thr]RAAVGSGHRK

ClinVar aggregate classification (germline): Uncertain significance (1 of 4 stars; one submission).

Conditions:
Hereditary cancer-predisposing syndrome. Also called: Hereditary neoplastic syndrome; Neoplastic Syndromes, Hereditary; Tumor predisposition; Hereditary Cancer Syndrome. Identifiers: Orphanet 140162, MedGen C0027672, MeSH D009386, MONDO:0015356.

Submission:

Ambry Genetics
Classification: Uncertain significance for Hereditary cancer-predisposing syndrome. Last evaluated: 2025-08-27. Review status: criteria provided, single submitter. Criteria: Ambry Variant Classification Scheme 2023. Collection method: clinical testing. Allele origin: germline.
Comment: The p.P18T variant (also known as c.52C>A), located in coding exon 2 of the MUTYH gene, results from a C to A substitution at nucleotide position 52. The proline at codon 18 is replaced by threonine, an amino acid with highly similar properties. This amino acid position is conserved. In addition, this alteration is predicted to be tolerated by in silico analysis. Based on the available evidence, the clinical significance of this variant remains unclear.